The following is an entry in ClinVar:

ClinVar aggregate classification (germline): Likely benign (1 of 4 stars; one submission).

Allele frequency attached by ClinVar (database versions not stated): gnomAD 0.00001; ExAC 0.00002; TOPMed 0.00002.
gnomAD v4.1: 6 of 1,614,114 alleles (0.00037%); highest among the groups gnomAD compares: Non-Finnish European, 0.00051%; no homozygotes.

Submission:

GeneDx
Classification: Likely benign. Last evaluated: 2017-01-31. Review status: criteria provided, single submitter. Criteria: GeneDx Variant Classification (06012015). Collection method: clinical testing. Allele origin: germline. Affected: yes.
Comment: This variant is considered likely benign or benign based on one or more of the following criteria: it is a conservative change, it occurs at a poorly conserved position in the protein, it is predicted to be benign by multiple in silico algorithms, and/or has population frequency not consistent with disease.

NM_000748.3(CHRNB2):c.912C>A (p.Thr304=)

Gene: CHRNB2 (cholinergic receptor nicotinic beta 2 subunit; plus strand). Cytogenetic location: 1q21.3.
Variant type: single nucleotide variant.
Coding change: c.912C>A on transcript NM_000748.3 (MANE Select); coding-DNA position 912, C replaced by A.
Protein change: p.Thr304=; no amino-acid change (threonine 304 retained).
Molecular consequence: synonymous variant.
Genome position (GRCh38, 1-based): chr1:154,571,735, C>A. VCF-style: chr1-154571735-C-A. GRCh37 (hg19) VCF-style: chr1-154544211-C-A.
Identifiers: ClinVar variation 507104 (VCV000507104.1), dbSNP rs748080172, ClinGen allele CA1130793.